The following is an entry in ClinVar:

ClinVar aggregate classification (germline): Pathogenic (1 of 4 stars; one submission).

Conditions:
Immunodeficiency 23 (IMD23). Also called: IMMUNODEFICIENCY-VASCULITIS-MYOCLONUS SYNDROME; IMMUNODEFICIENCY WITH HYPER IgE AND COGNITIVE IMPAIRMENT. Identifiers: Orphanet 443811, MedGen C4014371, MONDO:0014353, OMIM 615816.

Submission:

Labcorp Genetics (formerly Invitae), Labcorp
Classification: Pathogenic for Immunodeficiency 23. Last evaluated: 2020-10-19. Review status: criteria provided, single submitter. Criteria: Invitae Variant Classification Sherloc (09022015). Collection method: clinical testing. Allele origin: germline.
Comment: For these reasons, this variant has been classified as Pathogenic. This variant has not been reported in the literature in individuals with PGM3-related conditions. This variant is not present in population databases (ExAC no frequency). This sequence change creates a premature translational stop signal (p.Ser284Thrfs*8) in the PGM3 gene. It is expected to result in an absent or disrupted protein product. Loss-of-function variants in PGM3 are known to be pathogenic (PMID: 17548465, 24589341, 24931394).

Literature cited by the submitters: PubMed 17548465; PubMed 24589341; PubMed 24931394.

NM_015599.3(PGM3):c.767_777del (p.Ser256fs)

Gene: PGM3 (phosphoglucomutase 3; minus strand). Cytogenetic location: 6q14.1.
Variant type: Deletion.
Coding change: c.767_777del on transcript NM_015599.3 (MANE Select); coding-DNA positions 767 to 777, 11 bases deleted (GTCATCAGAAA).
Protein change: p.Ser256fs; shifts the reading frame from serine 256.
Molecular consequence: frameshift variant. On other transcripts: non-coding transcript variant (1).
Genome position (GRCh38, 1-based): chr6:83,181,746-83,181,756, TTTCTGATGAC deleted on the plus strand (GTCATCAGAAA on the coding strand, the reverse complement: PGM3 is on the minus strand); deleting any 11 consecutive bases within chr6:83,181,746-83,181,759 gives the same sequence; the c. name uses the placement nearest the transcript's 3' end. VCF-style (leftmost placement, unchanged base first): chr6-83181745-GTTTCTGATGAC-G. GRCh37 (hg19) VCF-style: chr6-83891464-GTTTCTGATGAC-G.
Other names: c.851_861del, p.Ser284fs (NM_001199917.2, NM_001367287.1); c.524_534del, p.Ser175fs (NM_001199918.2); c.767_777del, p.Ser256fs (NM_001199919.2, NM_001367286.1); short protein forms S175fs, S256fs, S284fs.
Identifiers: ClinVar variation 1073418 (VCV001073418.7), dbSNP rs2128497316, ClinGen allele CA2499218585.